The following is an entry in ClinVar:

NM_006267.5(RANBP2):c.1642_1643delinsTC (p.Val548Ser)

Gene: RANBP2 (RAN binding protein 2; plus strand). Cytogenetic location: 2q13.
Variant type: Indel.
Coding change: c.1642_1643delinsTC on transcript NM_006267.5 (MANE Select); coding-DNA positions 1642 to 1643, GT replaced by TC.
Protein change: p.Val548Ser; replaces valine 548 with serine.
Molecular consequence: missense variant.
Genome position (GRCh38, 1-based): chr2:108,751,881-108,751,882, GT replaced by TC. VCF-style: chr2-108751881-GT-TC. GRCh37 (hg19) VCF-style: chr2-109368337-GT-TC.
Other names: short protein forms V548S.
Identifiers: ClinVar variation 1433012 (VCV001433012.6), dbSNP rs2149222955, ClinGen allele CA2573133005.

ClinVar aggregate classification (germline): Uncertain significance (1 of 4 stars; one submission).

Conditions:
Familial acute necrotizing encephalopathy (IIAE3). Also called: ENCEPHALOPATHY, ACUTE, INFECTION-INDUCED, SUSCEPTIBILITY TO, 3; Susceptibility to Acute Necrotizing Encephalopathy 1. Identifiers: Orphanet 88619, MedGen C2675556, MONDO:0011953, OMIM 608033.

Submission:

Labcorp Genetics (formerly Invitae), Labcorp
Classification: Uncertain significance for Familial acute necrotizing encephalopathy. Last evaluated: 2025-12-29. Review status: criteria provided, single submitter. Criteria: Invitae Variant Classification Sherloc (09022015). Collection method: clinical testing. Allele origin: germline.
Comment: This sequence change replaces valine, which is neutral and non-polar, with serine, which is neutral and polar, at codon 548 of the RANBP2 protein (p.Val548Ser). The frequency data for this variant in the population databases is considered unreliable, as metrics indicate poor data quality at this position in the gnomAD database. This variant has not been reported in the literature in individuals affected with RANBP2-related conditions. ClinVar contains an entry for this variant (Variation ID: 1433012). An algorithm developed to predict the effect of missense changes on protein structure and function outputs the following: PolyPhen-2: "Benign". The serine amino acid residue is found in multiple mammalian species, which suggests that this missense change does not adversely affect protein function. In summary, the available evidence is currently insufficient to determine the role of this variant in disease. Therefore, it has been classified as a Variant of Uncertain Significance.